The following is an entry in ClinVar:

NM_000143.4(FH):c.404A>G (p.His135Arg)

Gene: FH (fumarate hydratase; minus strand). Cytogenetic location: 1q43.
Variant type: single nucleotide variant.
Coding change: c.404A>G on transcript NM_000143.4 (MANE Select); coding-DNA position 404, A replaced by G.
Protein change: p.His135Arg; replaces histidine 135 with arginine.
Molecular consequence: missense variant.
Genome position (GRCh38, 1-based): chr1:241,512,118, T>C on the plus strand (A>G on the coding strand, the complement: FH is on the minus strand). VCF-style: chr1-241512118-T-C. GRCh37 (hg19) VCF-style: chr1-241675418-T-C.
Other names: short protein forms H135R.
Identifiers: ClinVar variation 186284 (VCV000186284.20), dbSNP rs786202833, ClinGen allele CA194346.

ClinVar aggregate classification (germline): Pathogenic/Likely pathogenic. Review status: criteria provided, multiple submitters, no conflicts (2 of 4 stars). 4 submissions from 4 submitters: Pathogenic (2); Likely pathogenic (2). Last evaluated 2026-10-12.

Conditions:
Hereditary cancer-predisposing syndrome. Also called: Neoplastic Syndromes, Hereditary; Hereditary neoplastic syndrome; Tumor predisposition; Hereditary Cancer Syndrome. Identifiers: Orphanet 140162, MedGen C0027672, MeSH D009386, MONDO:0015356.
Hereditary leiomyomatosis and renal cell cancer. Also called: Reed syndrome; Multiple cutaneous and uterine leiomyomatosis; Cutaneous leiomyomata with uterine leiomyomata; Leiomyoma, hereditary multiple, of skin; Multiple cutaneous and uterine leiomyomata; MULTIPLE CUTANEOUS AND UTERINE LEIOMYOMATA 1, WITH OR WITHOUT RENAL CELL CARCINOMA. Identifiers: Orphanet 523, MedGen C1708350, MONDO:0007888, OMIM 150800, HP:0007437. Disease mechanism: loss of function.

Submissions (5):

GeneDx
Classification: Likely pathogenic. Last evaluated: 2026-10-12. Review status: criteria provided, single submitter. Criteria: GeneDx Variant Classification Process June 2021. Collection method: clinical testing. Allele origin: germline.
Comment: Not observed at significant frequency in large population cohorts (gnomAD); In silico analysis supports that this missense variant has a deleterious effect on protein structure/function; Also known as c.275A>G, p.His92Arg; This variant is associated with the following publications: (PMID: 21445611, 15761418, 15663510, 21398687, 30741757, 31831373, 31524643, 31917494, Mullane2025[CaseReport], 39613564)

Labcorp Genetics (formerly Invitae), Labcorp
Classification: Pathogenic. Last evaluated: 2026-01-27. Review status: criteria provided, single submitter. Criteria: Invitae Variant Classification Sherloc (09022015). Collection method: clinical testing. Allele origin: germline.
Comment: This sequence change replaces histidine, which is basic and polar, with arginine, which is basic and polar, at codon 135 of the FH protein (p.His135Arg). This variant is not present in population databases (gnomAD no frequency). This missense change has been observed in individual(s) with hereditary leiomyomatosis and renal cell cancer (PMID: 15761418, 30741757; internal data). ClinVar contains an entry for this variant (Variation ID: 186284). Invitae Evidence Modeling of protein sequence and biophysical properties (such as structural, functional, and spatial information, amino acid conservation, physicochemical variation, residue mobility, and thermodynamic stability) indicates that this missense variant is expected to disrupt FH protein function with a positive predictive value of 95%. For these reasons, this variant has been classified as Pathogenic.

Ambry Genetics
Classification: Pathogenic for Hereditary cancer-predisposing syndrome. Last evaluated: 2024-09-18. Review status: criteria provided, single submitter. Criteria: Ambry Variant Classification Scheme 2023. Collection method: clinical testing. Allele origin: germline.
Comment: The p.H135R variant (also known as c.404A>G), located in coding exon 4 of the FH gene, results from an A to G substitution at nucleotide position 404. The histidine at codon 135 is replaced by arginine, an amino acid with highly similar properties. This variant has been observed in multiple individuals who have a personal and/or family history that is consistent with FH-associated disease (Ambry internal data; Chuang GS et al. J. Am. Acad. Dermatol. 2005 Mar;52:410-6; Rabban JT et al. Am J Surg Pathol. 2019 05;43:639-655; Lau HD et al. Am J Surg Pathol. 2020 01;44:98-110). Of note, this variant may be referred to as p.H92R in some literature. This variant is considered to be rare based on population cohorts in the Genome Aggregation Database (gnomAD). This amino acid position is highly conserved in available vertebrate species. In addition, this alteration is predicted to be deleterious by in silico analysis. Based on the supporting evidence, this variant is interpreted as a disease-causing mutation.

Myriad Genetics, Inc.
Classification: Likely pathogenic for Hereditary leiomyomatosis and renal cell cancer. Last evaluated: 2023-07-05. Review status: criteria provided, single submitter. Criteria: Myriad Autosomal Dominant, Autosomal Recessive and X-Linked Classification Criteria (2023). Collection method: clinical testing. Allele origin: unknown.
Comment: This variant is considered likely pathogenic. This variant has been reported in multiple individuals with clinical features of gene-specific disease [PMID: 31524643, 30741757, 31831373, 15761418].

Blake Wilde Laboratory, Roswell Park Comprehensive Cancer Center
No classification provided (evidence only). Condition: Hereditary leiomyomatosis and renal cell cancer. Review status: no classification provided. Collection method: in vitro. Allele origin: not applicable. Functional consequence: decreased enzyme activity. Not counted in ClinVar's aggregate classification.

Literature cited by the submitters: PubMed 15761418 (cited by 3 submitters); PubMed 30741757 (cited by 3 submitters); PubMed 31524643 (cited by Ambry Genetics and Myriad Genetics, Inc.); PubMed 31831373 (cited by Myriad Genetics, Inc.).